The following is an entry in ClinVar:

NM_001379286.1(ZNF423):c.2003G>A (p.Arg668Gln)

Gene: ZNF423 (zinc finger protein 423; minus strand). Cytogenetic location: 16q12.1.
Variant type: single nucleotide variant.
Coding change: c.2003G>A on transcript NM_001379286.1 (MANE Select); coding-DNA position 2003, G replaced by A.
Protein change: p.Arg668Gln; replaces arginine 668 with glutamine.
Molecular consequence: missense variant.
Genome position (GRCh38, 1-based): chr16:49,637,173, C>T on the plus strand (G>A on the coding strand, the complement: ZNF423 is on the minus strand). VCF-style: chr16-49637173-C-T. GRCh37 (hg19) VCF-style: chr16-49671084-C-T.
Other names: c.1799G>A, p.Arg600Gln (NM_001271620.2); c.1628G>A, p.Arg543Gln (NM_001330533.2); c.1979G>A, p.Arg660Gln (NM_015069.5); short protein forms R600Q, R660Q, R543Q, R668Q.
Identifiers: ClinVar variation 1436584 (VCV001436584.9), dbSNP rs200218868, ClinGen allele CA8046587.

ClinVar aggregate classification (germline): Uncertain significance. Review status: criteria provided, multiple submitters, no conflicts (2 of 4 stars). 2 submissions from 2 submitters: Uncertain significance (2). Last evaluated 2023-06-02.

Conditions:
Nephronophthisis 14 (NPHP14). Identifiers: Orphanet 2318, MedGen C3539071, MONDO:0013916, OMIM 614844.

Allele frequency attached by ClinVar (database versions not stated): gnomAD 0.00001; ExAC 0.00002; gnomAD exomes 0.00003; TOPMed 0.00003.
gnomAD v4.1: 26 of 1,613,788 alleles (0.0016%); highest among the groups gnomAD compares: East Asian, 0.0067%; no homozygotes.

Submissions (2):

Blueprint Genetics
Classification: Uncertain significance. Last evaluated: 2023-06-02. Review status: criteria provided, single submitter. Criteria: ACMG Guidelines, 2015. Collection method: clinical testing. Allele origin: germline.

Labcorp Genetics (formerly Invitae), Labcorp
Classification: Uncertain significance for Nephronophthisis 14. Last evaluated: 2022-10-13. Review status: criteria provided, single submitter. Criteria: Invitae Variant Classification Sherloc (09022015). Collection method: clinical testing. Allele origin: germline.
Comment: Advanced modeling of protein sequence and biophysical properties (such as structural, functional, and spatial information, amino acid conservation, physicochemical variation, residue mobility, and thermodynamic stability) performed at Invitae indicates that this missense variant is not expected to disrupt ZNF423 protein function. In summary, the available evidence is currently insufficient to determine the role of this variant in disease. Therefore, it has been classified as a Variant of Uncertain Significance. ClinVar contains an entry for this variant (Variation ID: 1436584). This variant has not been reported in the literature in individuals affected with ZNF423-related conditions. This variant is present in population databases (rs200218868, gnomAD 0.006%). This sequence change replaces arginine, which is basic and polar, with glutamine, which is neutral and polar, at codon 660 of the ZNF423 protein (p.Arg660Gln).